The following is an entry in ClinVar:

ClinVar aggregate classification (germline): Uncertain significance (1 of 4 stars; one submission).

Conditions:
Immunodeficiency 35 (IMD35). Also called: TYK2 DEFICIENCY; Susceptibility to infection due to TYK2 deficiency; HIES WITH ATYPICAL MYCOBACTERIOSIS, AUTOSOMAL RECESSIVE; HYPER-IgE SYNDROME WITH ATYPICAL MYCOBACTERIOSIS, AUTOSOMAL RECESSIVE. Identifiers: Orphanet 331226, MedGen C1969086, MONDO:0012682, OMIM 611521.

Submission:

Labcorp Genetics (formerly Invitae), Labcorp
Classification: Uncertain significance for Immunodeficiency 35. Last evaluated: 2020-12-04. Review status: criteria provided, single submitter. Criteria: Invitae Variant Classification Sherloc (09022015). Collection method: clinical testing. Allele origin: germline.
Comment: This sequence change replaces threonine with isoleucine at codon 313 of the TYK2 protein (p.Thr313Ile). The threonine residue is highly conserved and there is a moderate physicochemical difference between threonine and isoleucine. This variant is not present in population databases (ExAC no frequency). In summary, the available evidence is currently insufficient to determine the role of this variant in disease. Therefore, it has been classified as a Variant of Uncertain Significance. Algorithms developed to predict the effect of missense changes on protein structure and function are either unavailable or do not agree on the potential impact of this missense change (SIFT: "Not Available"; PolyPhen-2: "Possibly Damaging"; Align-GVGD: "Not Available"). This variant has not been reported in the literature in individuals with TYK2-related conditions.

NM_003331.5(TYK2):c.938C>T (p.Thr313Ile)

Gene: TYK2 (tyrosine kinase 2; minus strand). Cytogenetic location: 19p13.2.
Variant type: single nucleotide variant.
Coding change: c.938C>T on transcript NM_003331.5 (MANE Select); coding-DNA position 938, C replaced by T.
Protein change: p.Thr313Ile; replaces threonine 313 with isoleucine.
Molecular consequence: missense variant.
Genome position (GRCh38, 1-based): chr19:10,365,590, G>A on the plus strand (C>T on the coding strand, the complement: TYK2 is on the minus strand). VCF-style: chr19-10365590-G-A. GRCh37 (hg19) VCF-style: chr19-10476266-G-A.
Other names: c.938C>T, p.Thr313Ile (NM_001385197.1, NM_001385198.1, NM_001385199.1 and 7 more transcripts); c.848C>T, p.Thr283Ile (NM_001385205.1); short protein forms T313I, T283I.
Identifiers: ClinVar variation 1416773 (VCV001416773.6), dbSNP rs2145250076, ClinGen allele CA404016136.